The following is an entry in ClinVar:

ClinVar aggregate classification (germline): Uncertain significance (1 of 4 stars; one submission).

Conditions:
Inborn genetic diseases. Identifiers: MedGen C0950123, MeSH D030342.

Submission:

Ambry Genetics
Classification: Uncertain significance for Inborn genetic diseases. Last evaluated: 2024-05-11. Review status: criteria provided, single submitter. Criteria: Ambry Variant Classification Scheme 2023. Collection method: clinical testing. Allele origin: germline.
Comment: The p.R1731T variant (also known as c.5192G>C), located in coding exon 36 of the LRRK2 gene, results from a G to C substitution at nucleotide position 5192. The arginine at codon 1731 is replaced by threonine, an amino acid with similar properties. This amino acid position is conserved. In addition, this alteration is predicted to be deleterious by in silico analysis. Based on the available evidence, the clinical significance of this variant remains unclear.

NM_198578.4(LRRK2):c.5192G>C (p.Arg1731Thr)

Gene: LRRK2 (leucine rich repeat kinase 2; plus strand). Cytogenetic location: 12q12.
Variant type: single nucleotide variant.
Coding change: c.5192G>C on transcript NM_198578.4 (MANE Select); coding-DNA position 5192, G replaced by C.
Protein change: p.Arg1731Thr; replaces arginine 1731 with threonine.
Molecular consequence: missense variant.
Genome position (GRCh38, 1-based): chr12:40,322,056, G>C. VCF-style: chr12-40322056-G-C. GRCh37 (hg19) VCF-style: chr12-40715858-G-C.
Other names: short protein forms R1731T.
Identifiers: ClinVar variation 3292010 (VCV003292010.1).